The following is an entry in ClinVar:

ClinVar aggregate classification (germline): Uncertain significance (1 of 4 stars; one submission).

gnomAD v4.1: 3 of 1,612,002 alleles (0.00019%); highest among the groups gnomAD compares: Middle Eastern, 0.016%; no homozygotes.

Submission:

Labcorp Genetics (formerly Invitae), Labcorp
Classification: Uncertain significance. Last evaluated: 2024-03-03. Review status: criteria provided, single submitter. Criteria: Invitae Variant Classification Sherloc (09022015). Collection method: clinical testing. Allele origin: germline.
Comment: This sequence change replaces isoleucine, which is neutral and non-polar, with valine, which is neutral and non-polar, at codon 1121 of the CDH23 protein (p.Ile1121Val). This variant is not present in population databases (gnomAD no frequency). This variant has not been reported in the literature in individuals affected with CDH23-related conditions. Advanced modeling of protein sequence and biophysical properties (such as structural, functional, and spatial information, amino acid conservation, physicochemical variation, residue mobility, and thermodynamic stability) performed at Invitae indicates that this missense variant is not expected to disrupt CDH23 protein function with a negative predictive value of 95%. In summary, the available evidence is currently insufficient to determine the role of this variant in disease. Therefore, it has been classified as a Variant of Uncertain Significance.

NM_022124.6(CDH23):c.3361A>G (p.Ile1121Val)

Genes: C10orf105 (chromosome 10 open reading frame 105; minus strand), CDH23 (cadherin related 23; plus strand). Cytogenetic location: 10q22.1.
Variant type: single nucleotide variant.
Coding change: c.3361A>G on transcript NM_022124.6 (MANE Select); coding-DNA position 3361, A replaced by G.
Protein change: p.Ile1121Val; replaces isoleucine 1121 with valine.
Molecular consequence: missense variant. On other transcripts: 3 prime UTR variant (2).
Genome position (GRCh38, 1-based): chr10:71,712,805, A>G. VCF-style: chr10-71712805-A-G. GRCh37 (hg19) VCF-style: chr10-73472562-A-G.
Other names: c.*3131T>C (NM_001164375.3, NM_001168390.2); c.3361A>G, p.Ile1121Val (NM_001171930.2); short protein forms I1121V.
Identifiers: ClinVar variation 3616292 (VCV003616292.2).
Genomic context (GRCh38, chr10:71,712,805, plus strand): 5'-ATCTTTCTGCAGAGCAGCTATGAGGCCAGCGTCCCTGAGGACATCCCTGAAGGCCACAGC[A>G]TCTTGCAGGCAGGTGGCCCGTGGCCTCTGGGGCAGGTGGTGGGCTGGGGGAGGCGGAGCC-3'
Protein context (NP_071407.4, residues 1111-1131): VPEDIPEGHS[Ile1121Val]LQLKATDADE